The following is an entry in ClinVar:

ClinVar aggregate classification (germline): Uncertain significance (1 of 4 stars; one submission).

Submission:

GeneDx
Classification: Uncertain significance. Last evaluated: 2025-10-14. Review status: criteria provided, single submitter. Criteria: GeneDx Variant Classification Process June 2021. Collection method: clinical testing. Allele origin: germline. Affected: yes.
Comment: Not observed at significant frequency in large population cohorts (gnomAD); In silico analysis supports that this missense variant has a deleterious effect on protein structure/function; Has not been previously published as pathogenic or benign to our knowledge

NM_006659.4(TUBGCP2):c.1589A>G (p.His530Arg)

Gene: TUBGCP2 (tubulin gamma complex component 2; minus strand). Cytogenetic location: 10q26.3.
Variant type: single nucleotide variant.
Coding change: c.1589A>G on transcript NM_006659.4 (MANE Select); coding-DNA position 1589, A replaced by G.
Protein change: p.His530Arg; replaces histidine 530 with arginine.
Molecular consequence: missense variant. On other transcripts: non-coding transcript variant (1).
Genome position (GRCh38, 1-based): chr10:133,288,262, T>C on the plus strand (A>G on the coding strand, the complement: TUBGCP2 is on the minus strand). VCF-style: chr10-133288262-T-C. GRCh37 (hg19) VCF-style: chr10-135101766-T-C.
Other names: c.1673A>G, p.His558Arg (NM_001256617.2); c.1199A>G, p.His400Arg (NM_001256618.2); short protein forms H400R, H530R, H558R.
Identifiers: ClinVar variation 1722871 (VCV001722871.3), dbSNP rs2493615449, ClinGen allele CA378819972.
Genomic context (GRCh38, chr10:133,288,262, plus strand): 5'-CGAGGGGGCGTGATGTCCTCCACCGGCTTCCGGAGCTCCTCCTCCGCGAGGTCCATGAAG[T>C]GCACGAAGAAGTCGCCCTGGTCCATGAGGAAGTAGCGCTTGATGGACCTGCGCCAGGGAG-3'
Protein context (NP_006650.1, residues 520-540): FLMDQGDFFV[His530Arg]FMDLAEEELR